The following is an entry in ClinVar:

ClinVar aggregate classification (germline): Uncertain significance (1 of 4 stars; one submission).

Submission:

GeneDx
Classification: Uncertain significance. Last evaluated: 2022-12-12. Review status: criteria provided, single submitter. Criteria: GeneDx Variant Classification Process June 2021. Collection method: clinical testing. Allele origin: germline. Affected: yes.
Comment: Not observed at significant frequency in large population cohorts (gnomAD); In silico analysis supports that this missense variant has a deleterious effect on protein structure/function; Has not been previously published as pathogenic or benign to our knowledge

NM_001148.6(ANK2):c.995G>A (p.Gly332Glu)

Gene: ANK2 (ankyrin 2; plus strand). Cytogenetic location: 4q26.
Variant type: single nucleotide variant.
Coding change: c.995G>A on transcript NM_001148.6 (MANE Select); coding-DNA position 995, G replaced by A.
Protein change: p.Gly332Glu; replaces glycine 332 with glutamic acid.
Molecular consequence: missense variant.
Genome position (GRCh38, 1-based): chr4:113,255,739, G>A. VCF-style: chr4-113255739-G-A. GRCh37 (hg19) VCF-style: chr4-114176895-G-A.
Other names: c.932G>A, p.Gly311Glu (NM_001127493.3, NM_001354239.2, NM_001354243.2 and 14 more transcripts); c.995G>A, p.Gly332Glu (NM_001354225.2, NM_001354228.2, NM_001354232.2 and 9 more transcripts); c.1040G>A, p.Gly347Glu (NM_001354230.2, NM_001354231.2, NM_001354237.2 and 5 more transcripts); c.908G>A, p.Gly303Glu (NM_001354249.2, NM_001354260.2, NM_001354264.2 and 16 more transcripts); c.953G>A, p.Gly318Glu (NM_001354261.2, NM_001386147.1, NM_001386160.1); c.983G>A, p.Gly328Glu (NM_001354269.3, NM_001386148.2, NM_001386186.2); c.1046G>A, p.Gly349Glu (NM_001386174.1); c.1022G>A, p.Gly341Glu (NM_001386175.1); and 1 more; short protein forms G303E, G311E, G318E, G320E, G328E, G332E, G341E, G347E.
Identifiers: ClinVar variation 2506716 (VCV002506716.1), dbSNP rs2492655497, ClinGen allele CA357926195.